The following is an entry in ClinVar:

NM_000152.5(GAA):c.1286A>G (p.Gln429Arg)

Gene: GAA (alpha glucosidase; plus strand). Cytogenetic location: 17q25.3.
Variant type: single nucleotide variant.
Coding change: c.1286A>G on transcript NM_000152.5 (MANE Select); coding-DNA position 1286, A replaced by G.
Protein change: p.Gln429Arg; replaces glutamine 429 with arginine.
Molecular consequence: missense variant.
Genome position (GRCh38, 1-based): chr17:80,108,788, A>G. VCF-style: chr17-80108788-A-G. GRCh37 (hg19) VCF-style: chr17-78082587-A-G.
Other names: c.1286A>G, p.Gln429Arg (NM_001079803.3, NM_001079804.3); c.1286A>G (LRG_673t1); short protein forms Q429R.
Identifiers: ClinVar variation 284497 (VCV000284497.38), dbSNP rs200294882, ClinGen allele CA8815250.
Genomic context (GRCh38, chr17:80,108,788, plus strand): 5'-ACTCCCGGAGGGACTTCACGTTCAACAAGGATGGCTTCCGGGACTTCCCGGCCATGGTGC[A>G]GGAGCTGCACCAGGGCGGCCGGCGCTACATGATGATCGTGGTGTGTGCCCCCACACTGTG-3'
Protein context (NP_000143.2, residues 419-439): DGFRDFPAMV[Gln429Arg]ELHQGGRRYM

ClinVar aggregate classification (germline): Benign. Review status: reviewed by expert panel (3 of 4 stars). 13 submissions from 13 submitters: Benign (1). 12 of the submissions do not count toward it. Last evaluated 2020-01-22.

Conditions:
Cardiovascular phenotype. Identifiers: MedGen CN230736.
Cardiomyopathy (CMYO). Also called: Cardiomyopathies. Identifiers: Orphanet 167848, MedGen C0878544, MONDO:0004994, HP:0001638. Inheritance: Various modes of inheritance.
Glycogen storage disease, type II (IOPD). Also called: Pompe Disease; CARDIOMEGALIA GLYCOGENICA DIFFUSA; Glucosidase acid-1,4-alpha deficiency; POMPE DISEASE, INFANTILE-ONSET; GLYCOGEN STORAGE DISEASE II, INFANTILE-ONSET; ACID ALPHA-GLUCOSIDASE DEFICIENCY, INFANTILE-ONSET. Identifiers: Orphanet 365, MedGen C0017921, MONDO:0009290, OMIM 232300.

Allele frequency attached by ClinVar (database versions not stated): gnomAD exomes 0.00023 and 0.00080; gnomAD 0.00026 and 0.00039; TOPMed 0.00035; ExAC 0.00115; 1000 Genomes Project 0.00200; 1000 Genomes Project 30x 0.00234.
gnomAD v4.1: 406 of 1,607,726 alleles (0.025%); highest among the groups gnomAD compares: East Asian, 0.81%; 1 homozygote.

Submissions 1 to 15 of 24:

ClinGen Lysosomal Storage Disorder Variant Curation Expert Panel
Classification: Benign for Glycogen storage disease, type II. Last evaluated: 2020-01-22. Review status: reviewed by expert panel. Criteria: ClinGen LSD ACMG Specifications v1. Collection method: curation. Allele origin: germline. Inheritance: Autosomal recessive inheritance.
Comment: The highest continental population minor allele frequency for c.1286A>G (p.Gln429Arg) in gnomAD v2.1.1 is 0.01028 in the East Asian population. This is higher than the ClinGen LSD VCEP's BA1 threshold (>0.01), therefore meeting the BA1 criterion. There is a ClinVar entry for this variant (Variation ID: 284497; 2 star review status) with three submitters classifying the variant as benign and one as likely benign. In summary, this variant meets the criteria to be classified as benign for Pompe disease. GAA-specific ACMG/AMP criteria applied, as specified by the ClinGen LSD VCEP: BA1.

CeGaT Center for Human Genetics Tuebingen
Classification: Likely benign. Last evaluated: 2026-08-01. Review status: criteria provided, single submitter. Criteria: CeGaT Center For Human Genetics Tuebingen Variant Classification Criteria Version 2. Collection method: clinical testing. Allele origin: germline. Affected: yes. Observed: 1 variant allele. Not counted in ClinVar's aggregate classification.
Comment: GAA: BP4

Genomenon, Inc
Classification: Benign for Glycogen storage disease, type II. Last evaluated: 2026-07-01. Review status: criteria provided, single submitter. Criteria: Genomenon Sequence Variant Interpretation Standards - Updated. Collection method: curation. Allele origin: germline. Affected: no. Not counted in ClinVar's aggregate classification.
Comment: GAA p.Gln429Arg (c.1286A>G) is a missense variant that changes the amino acid at codon 429 from Glutamine to Arginine. This variant is present at high allele frequency in population databases. We classify GAA p.Gln429Arg (c.1286A>G) as a benign variant.

Labcorp Genetics (formerly Invitae), Labcorp
Classification: Benign for Glycogen storage disease, type II. Last evaluated: 2026-02-04. Review status: criteria provided, single submitter. Criteria: Invitae Variant Classification Sherloc (09022015). Collection method: clinical testing. Allele origin: germline. Not counted in ClinVar's aggregate classification.

Blueprint Genetics
Classification: Likely benign. Last evaluated: 2024-10-15. Review status: criteria provided, single submitter. Criteria: ACMG Guidelines, 2015. Collection method: clinical testing. Allele origin: germline. Not counted in ClinVar's aggregate classification.

Ambry Genetics
Classification: Likely benign for Cardiovascular phenotype. Last evaluated: 2020-12-23. Review status: criteria provided, single submitter. Criteria: Ambry Variant Classification Scheme 2023. Collection method: clinical testing. Allele origin: germline. Not counted in ClinVar's aggregate classification.

GeneDx
Classification: Benign. Last evaluated: 2020-10-15. Review status: criteria provided, single submitter. Criteria: GeneDx Variant Classification Process June 2021. Collection method: clinical testing. Allele origin: germline. Affected: yes. Not counted in ClinVar's aggregate classification.
Comment: This variant is associated with the following publications: (PMID: 27183828, 25466677)

Broad Center for Mendelian Genomics, Broad Institute of MIT and Harvard
Classification: Benign for Glycogen storage disease, type II. Last evaluated: 2020-01-22. Review status: criteria provided, single submitter. Criteria: ACMG Guidelines, 2015. Collection method: curation. Allele origin: germline. Inheritance: Autosomal recessive inheritance. Not counted in ClinVar's aggregate classification.
Comment: This variant has also been reported in ClinVar as benign by EGL Genetic Diagnostics and Invitae, and as likely benign by GeneDx (VariantID: 284497). This variant has been identified in 1.03% (196/19070) of East Asian chromosomes, 0.03% (1/29316) of South Asian chromosomes, and 0.002% (2/119604) of European (non-Finnish) chromosomes by the Genome Aggregation Database (gnomAD; dbSNP rs200294882). This variant has been seen in the general population at a frequency high enough to rule out a pathogenic role. Computational prediction tools, including splice predictors, and conservation analyses suggest that this variant may not impact the protein, though this information is not predictive enough to rule out pathogenicity. This variant was found in cis with another pathogenic variant, suggesting that it may not cause disease (PMID: 25466677; Variation ID: 423925). In summary, this variant meets criteria to be classified as benign for glycogen storage disease II in an autosomal recessive manner based on its high frequency in the general population and the presence of the same amino acid in other mammals. ACMG/AMP Criteria applied: BA1, BP2, BP4 (Richards 2015).

Women's Health and Genetics/Laboratory Corporation of America, LabCorp
Classification: Benign. Last evaluated: 2019-08-09. Review status: criteria provided, single submitter. Criteria: LabCorp Variant Classification Summary - May 2015. Collection method: clinical testing. Allele origin: germline. Not counted in ClinVar's aggregate classification.
Comment: Variant summary: GAA c.1286A>G (p.Gln429Arg) results in a conservative amino acid change in the encoded protein sequence. Five of five in-silico tools predict a benign effect of the variant on protein function. The variant allele was found at a frequency of 0.0008 in 234302 control chromosomes, predominantly at a frequency of 0.011 within the East Asian subpopulation in the gnomAD database, including 1 homozygote. The observed variant frequency within East Asian control individuals in the gnomAD database is approximately 2.6 fold of the estimated maximal expected allele frequency for a pathogenic variant in GAA causing Glycogen Storage Disease, Type 2 (Pompe Disease) phenotype (0.0042). In addition, the variant was also found in Japanese healthy controls with a frequency of 0.005, including 1 homozygote (in the HGVD database). These data strongly suggest that the variant is a benign polymorphism found primarily in populations of East Asian origin. The variant, c.1286A>G, has been reported in the literature in a newborn affected with infantile-onset Glycogen Storage Disease, Type 2 (Pompe Disease), however, this patient also carried two other pathogenic GAA variants, in cis (c.1062 C>G (p.Tyr354X)), and trans (c.1935C>A (p.Asp645Glu)) that could explain the phenotype, therefore supporting a benign role for the variant of interest (Chien_2014, Peng_2016). To our knowledge, no experimental evidence demonstrating an impact on protein function has been reported. Three ClinVar submissions from other clinical diagnostic laboratories (evaluation after 2014) classified the variant as likely benign (1x) and benign (2x). Based on the evidence outlined above, the variant was classified as benign.

Illumina Laboratory Services, Illumina
Classification: Uncertain significance for Glycogen storage disease, type II. Last evaluated: 2017-05-05. Review status: criteria provided, single submitter. Criteria: ICSL Variant Classification Criteria 13 December 2019. Collection method: clinical testing. Allele origin: germline. Not counted in ClinVar's aggregate classification.
Comment: This variant was observed as part of a predisposition screen in an ostensibly healthy population. A literature search was performed for the gene, cDNA change, and amino acid change (where applicable). Publications were found based on this search. However, the evidence from the literature, in combination with allele frequency data from public databases where available, was not sufficient to rule this variant in or out of causing disease. Therefore, this variant is classified as a variant of unknown significance.

Center for Advanced Laboratory Medicine, UC San Diego Health, University of California San Diego
Classification: Benign for Cardiomyopathy. Last evaluated: 2017-03-14. Review status: criteria provided, single submitter. Criteria: ACMG Guidelines, 2015. Collection method: clinical testing. Allele origin: germline. Affected: yes. Observed: 1 variant allele. Not counted in ClinVar's aggregate classification.

Eurofins Ntd Llc (ga)
Classification: Benign. Last evaluated: 2015-11-12. Review status: criteria provided, single submitter. Criteria: EGL Classification Definitions 2015. Collection method: clinical testing. Allele origin: germline. Observed: 1 variant allele, 1 heterozygote. Not counted in ClinVar's aggregate classification.

Breakthrough Genomics
Classification: Benign. Review status: criteria provided, single submitter. Criteria: ACMG Guidelines, 2015. Collection method: not provided. Allele origin: germline. Inheritance: Autosomal recessive inheritance. Affected: yes. Not counted in ClinVar's aggregate classification.

Dr. Peter K. Rogan Lab, Western University
No classification provided (evidence only). Condition: Malignant tumor of urinary bladder. Review status: no classification provided. Collection method: in vitro. Allele origin: not applicable. Functional consequence: retained intron. Not counted in ClinVar's aggregate classification.

Dr. Peter K. Rogan Lab, Western University
No classification provided (evidence only). Condition: Malignant tumor of urinary bladder. Review status: no classification provided. Collection method: in vitro. Allele origin: not applicable. Functional consequence: retained intron. Not counted in ClinVar's aggregate classification.